The following is an entry in ClinVar:

ClinVar aggregate classification (germline): Benign/Likely benign. Review status: criteria provided, multiple submitters, no conflicts (2 of 4 stars). 10 submissions from 10 submitters: Benign (6); Likely benign (1). 3 of the submissions do not count toward it. Last evaluated 2026-02-04.

Conditions:
Familial hemophagocytic lymphohistiocytosis 3 (FHL3). Also called: UNC13D-Related Familial Hemophagocytic Lymphohistiocytosis (UNC13D-fHLH). Identifiers: Orphanet 540, MedGen C1837174, MONDO:0012146, OMIM 608898.

Allele frequency attached by ClinVar (database versions not stated): gnomAD exomes 0.24392; ExAC 0.25246; 1000 Genomes Project 0.27736; 1000 Genomes Project 30x 0.28560; TOPMed 0.31769; ESP Exome Variant Server 0.33115.
gnomAD v4.1: 409,960 of 1,602,580 alleles (26%); highest among the groups gnomAD compares: African/African-American, 48%; 55,603 homozygotes.

Submissions (10):

Labcorp Genetics (formerly Invitae), Labcorp
Classification: Benign for Familial hemophagocytic lymphohistiocytosis 3. Last evaluated: 2026-02-04. Review status: criteria provided, single submitter. Criteria: Invitae Variant Classification Sherloc (09022015). Collection method: clinical testing. Allele origin: germline.

Blueprint Genetics
Classification: Likely benign. Last evaluated: 2024-11-28. Review status: criteria provided, single submitter. Criteria: ACMG Guidelines, 2015. Collection method: clinical testing. Allele origin: germline.

Unidad de Genómica Garrahan, Hospital de Pediatría Garrahan
Classification: Benign. Last evaluated: 2023-11-12. Review status: criteria provided, single submitter. Criteria: ACMG Guidelines, 2015. Collection method: clinical testing. Allele origin: germline. Affected: no. Observed: 34 variant alleles.
Comment: This variant is classified as Benign based on local population frequency. This variant was detected in 35% of patients studied by a panel of primary immunodeficiencies. Number of patients: 34. Only high quality variants are reported.

Genome-Nilou Lab
Classification: Benign for Familial hemophagocytic lymphohistiocytosis 3. Last evaluated: 2021-12-05. Review status: criteria provided, single submitter. Criteria: ACMG Guidelines, 2015. Collection method: clinical testing. Allele origin: germline. Affected: no.

GeneDx
Classification: Benign. Last evaluated: 2018-11-14. Review status: criteria provided, single submitter. Criteria: GeneDx Variant Classification Process June 2021. Collection method: clinical testing. Allele origin: germline. Affected: yes.

Breakthrough Genomics
Classification: Benign. Review status: criteria provided, single submitter. Criteria: ACMG Guidelines, 2015. Collection method: not provided. Allele origin: germline. Inheritance: Autosomal recessive inheritance. Affected: yes.

PreventionGenetics, part of Exact Sciences
Classification: Benign. Review status: criteria provided, single submitter. Criteria: ACMG Guidelines, 2015. Collection method: clinical testing. Allele origin: germline.

Clinical Genetics DNA and cytogenetics Diagnostics Lab, Erasmus MC, Erasmus Medical Center
Classification: Benign. Review status: no assertion criteria provided. Collection method: clinical testing. Allele origin: germline. Affected: yes. Study: VKGL Data-share Consensus. Not counted in ClinVar's aggregate classification.

Diagnostic Laboratory, Department of Genetics, University Medical Center Groningen
Classification: Benign for Familial hemophagocytic lymphohistiocytosis 3. Review status: no assertion criteria provided. Collection method: clinical testing. Allele origin: germline. Affected: yes. Study: VKGL Data-share Consensus. Not counted in ClinVar's aggregate classification.

Genome Diagnostics Laboratory, University Medical Center Utrecht
Classification: Benign. Review status: no assertion criteria provided. Collection method: clinical testing. Allele origin: germline. Affected: yes. Study: VKGL Data-share Consensus. Not counted in ClinVar's aggregate classification.

NM_199242.3(UNC13D):c.154-19G>A

Gene: UNC13D (unc-13 homolog D; minus strand). Cytogenetic location: 17q25.1.
Variant type: single nucleotide variant.
Coding change: c.154-19G>A on transcript NM_199242.3 (MANE Select); 19 bases into the intron before coding-DNA position 154, G replaced by A.
Molecular consequence: intron variant.
Genome position (GRCh38, 1-based): chr17:75,843,285, C>T on the plus strand (G>A on the coding strand, the complement: UNC13D is on the minus strand). VCF-style: chr17-75843285-C-T. GRCh37 (hg19) VCF-style: chr17-73839366-C-T.
Identifiers: ClinVar variation 263214 (VCV000263214.19), dbSNP rs3744009, ClinGen allele CA8773601.